The following is an entry in ClinVar:

ClinVar aggregate classification (germline): Benign/Likely benign. Review status: criteria provided, multiple submitters, no conflicts (2 of 4 stars). 7 submissions from 7 submitters: Benign (2); Likely benign (4). 1 of the submissions does not count toward it. Last evaluated 2025-11-03.

Conditions:
TSC1-related disorder. Also called: TSC1-related condition.
Hereditary cancer-predisposing syndrome. Also called: Hereditary Cancer Syndrome; Tumor predisposition; Hereditary neoplastic syndrome; Neoplastic Syndromes, Hereditary. Identifiers: Orphanet 140162, MedGen C0027672, MeSH D009386, MONDO:0015356.
Tuberous sclerosis syndrome (TSC). Also called: Tuberous sclerosis; Tuberous Sclerosis Complex. Identifiers: Orphanet 805, MedGen C0041341, MONDO:0001734.
Tuberous sclerosis 1 (TSC1). Identifiers: Orphanet 805, MedGen C1854465, MONDO:0008612, OMIM 191100.

Allele frequency attached by ClinVar (database versions not stated): gnomAD 0.00001; ExAC 0.00002; gnomAD exomes 0.00002 and 0.00003.
gnomAD v4.1: 30 of 1,614,062 alleles (0.0019%); highest among the groups gnomAD compares: South Asian, 0.0055%; no homozygotes.

Submissions (7):

Labcorp Genetics (formerly Invitae), Labcorp
Classification: Benign for Tuberous sclerosis 1. Last evaluated: 2025-11-03. Review status: criteria provided, single submitter. Criteria: Invitae Variant Classification Sherloc (09022015). Collection method: clinical testing. Allele origin: germline.

Myriad Genetics, Inc.
Classification: Likely benign for Tuberous sclerosis 1. Last evaluated: 2024-08-16. Review status: criteria provided, single submitter. Criteria: Myriad Autosomal Dominant, Autosomal Recessive and X-Linked Classification Criteria (2023). Collection method: clinical testing. Allele origin: unknown.
Comment: This variant is considered likely benign. This variant has been observed at a population frequency that is significantly greater than expected given the associated disease prevalence and penetrance.

Color Diagnostics, LLC DBA Color Health
Classification: Likely benign for Tuberous sclerosis syndrome. Last evaluated: 2023-01-13. Review status: criteria provided, single submitter. Criteria: ACMG Guidelines, 2015. Collection method: clinical testing. Allele origin: germline.

Ambry Genetics
Classification: Likely benign for Hereditary cancer-predisposing syndrome. Last evaluated: 2022-02-23. Review status: criteria provided, single submitter. Criteria: Ambry Variant Classification Scheme 2023. Collection method: clinical testing. Allele origin: germline.

Genome-Nilou Lab
Classification: Benign for Tuberous sclerosis 1. Last evaluated: 2021-11-07. Review status: criteria provided, single submitter. Criteria: ACMG Guidelines, 2015. Collection method: clinical testing. Allele origin: germline. Affected: no.

GeneDx
Classification: Likely benign. Last evaluated: 2021-09-20. Review status: criteria provided, single submitter. Criteria: GeneDx Variant Classification Process June 2021. Collection method: clinical testing. Allele origin: germline. Affected: yes.

PreventionGenetics, part of Exact Sciences
Classification: Uncertain significance for TSC1-related condition. Last evaluated: 2024-08-01. Review status: no assertion criteria provided. Collection method: clinical testing. Allele origin: germline. Not counted in ClinVar's aggregate classification.
Comment: The TSC1 c.3194C>T variant is predicted to result in the amino acid substitution p.Thr1065Met. To our knowledge, this variant has not been reported in the literature. This variant is reported in 0.020% of alleles in individuals of South Asian descent in gnomAD. This variant is interpreted in ClinVar as benign and likely benign. Although we suspect that this variant may be benign, at this time, the clinical significance of this variant is uncertain due to the absence of conclusive functional and genetic evidence.

NM_000368.5(TSC1):c.3194C>T (p.Thr1065Met)

Gene: TSC1 (TSC complex subunit 1; minus strand). Cytogenetic location: 9q34.13.
Variant type: single nucleotide variant.
Coding change: c.3194C>T on transcript NM_000368.5 (MANE Select); coding-DNA position 3194, C replaced by T.
Protein change: p.Thr1065Met; replaces threonine 1065 with methionine.
Molecular consequence: missense variant.
Genome position (GRCh38, 1-based): chr9:132,896,536, G>A on the plus strand (C>T on the coding strand, the complement: TSC1 is on the minus strand). VCF-style: chr9-132896536-G-A. GRCh37 (hg19) VCF-style: chr9-135771923-G-A.
Other names: p.T1065M:ACG>ATG; c.3191C>T, p.Thr1064Met (NM_001162426.2); c.3041C>T, p.Thr1014Met (NM_001162427.2); c.2831C>T, p.Thr944Met (NM_001362177.2); short protein forms T1065M, T1064M, T1014M, T944M.
Identifiers: ClinVar variation 207642 (VCV000207642.18), dbSNP rs753388676, ClinGen allele CA036145.